The following is an entry in ClinVar:

ClinVar aggregate classification (germline): Pathogenic (0 of 4 stars; one submission).

Conditions:
PKD1-related disorder. Also called: PKD1-related condition.

Submission:

PreventionGenetics, part of Exact Sciences
Classification: Pathogenic for PKD1-related condition. Last evaluated: 2024-08-26. Review status: no assertion criteria provided. Collection method: clinical testing. Allele origin: germline.
Comment: The PKD1 c.11729_11747del19 variant is predicted to result in a frameshift and premature protein termination (p.Phe3910Trpfs*29). To our knowledge, this variant has not been reported in the literature or in a large population database, indicating this variant is rare. Frameshift variants in PKD1 are expected to be pathogenic. This variant is interpreted as pathogenic.

NM_001009944.3(PKD1):c.11729_11747del (p.Phe3910fs)

Gene: PKD1 (polycystin 1, transient receptor potential channel interacting; minus strand). Cytogenetic location: 16p13.3.
Variant type: Deletion.
Coding change: c.11729_11747del on transcript NM_001009944.3 (MANE Select); coding-DNA positions 11729 to 11747, 19 bases deleted (TCGCCGTGCACTTCGCCGT).
Protein change: p.Phe3910fs; shifts the reading frame from phenylalanine 3910.
Molecular consequence: frameshift variant.
Genome position (GRCh38, 1-based): chr16:2,091,140-2,091,158, ACGGCGAAGTGCACGGCGA deleted on the plus strand (TCGCCGTGCACTTCGCCGT on the coding strand, the reverse complement: PKD1 is on the minus strand); deleting any 19 consecutive bases within chr16:2,091,140-2,091,160 gives the same sequence; the c. name uses the placement nearest the transcript's 3' end. VCF-style (leftmost placement, unchanged base first): chr16-2091139-CACGGCGAAGTGCACGGCGA-C. GRCh37 (hg19) VCF-style: chr16-2141140-CACGGCGAAGTGCACGGCGA-C.
Other names: c.11726_11744del, p.Phe3909fs (NM_000296.4); c.11729_11747del19 (NM_001009944.2); short protein forms F3909fs, F3910fs.
Identifiers: ClinVar variation 3031879 (VCV003031879.2), dbSNP rs2544600433, ClinGen allele CA2740096840.